The following is an entry in ClinVar:

ClinVar aggregate classification (germline): Uncertain significance (1 of 4 stars; one submission).

Conditions:
Leigh syndrome (NULS). Also called: Leigh's necrotizing encephalopathy; Leigh's disease; Leigh Syndrome (mtDNA deletion); Leigh Disease; Subacute necrotizing encephalopathy; Necrotizing encephalopathy infantile subacute of Leigh. Identifiers: Orphanet 506, MedGen C2931891, MONDO:0009723, OMIM 256000.

Submission:

Wong Mito Lab, Molecular and Human Genetics, Baylor College of Medicine
Classification: Uncertain significance for Leigh syndrome. Last evaluated: 2019-10-17. Review status: criteria provided, single submitter. Criteria: Modified ACMG Guidelines (Unpublished). Collection method: clinical testing. Allele origin: germline.
Comment: The NC_012920.1:m.12117T>C (YP_003024035.1:p.Ile453Thr) variant in MTND4 gene is interpretated to be a Uncertain Significance variant based on the modified ACMG guidelines (unpublished). This variant meets the following evidence codes: PP7

NC_012920.1(MT-ND4):m.12117T>C

Gene: MT-ND4 (mitochondrially encoded NADH dehydrogenase 4; plus strand).
Variant type: single nucleotide variant.
Genome position: chrM-12117-T-C.
Identifiers: ClinVar variation 693413 (VCV000693413.1), dbSNP rs1603223549, ClinGen allele CA414812575.